The following is an entry in ClinVar:

NM_000092.5(COL4A4):c.967G>T (p.Gly323Ter)

Gene: COL4A4 (collagen type IV alpha 4 chain; minus strand). Cytogenetic location: 2q36.3.
Variant type: single nucleotide variant.
Coding change: c.967G>T on transcript NM_000092.5 (MANE Select); coding-DNA position 967, G replaced by T.
Protein change: p.Gly323Ter; replaces glycine 323 with a stop codon.
Molecular consequence: nonsense.
Genome position (GRCh38, 1-based): chr2:227,101,873, C>A on the plus strand (G>T on the coding strand, the complement: COL4A4 is on the minus strand). VCF-style: chr2-227101873-C-A. GRCh37 (hg19) VCF-style: chr2-227966589-C-A.
Other names: short protein forms G323*.
Identifiers: ClinVar variation 3381854 (VCV003381854.2).
Genomic context (GRCh38, chr2:227,101,873, plus strand): 5'-TTGCATTTACTAATGAAATGTATTTATTATCTCTATAATGAGGTACATTTACCTTTAATC[C>A]TGGAAAACCTGGAGATCCATAGGAACCAGGATCCCCCTAATAAATTCACAAAAATCAGGA-3'

ClinVar aggregate classification (germline): Likely pathogenic (1 of 4 stars; one submission).

Conditions:
Autosomal recessive Alport syndrome (ATS2). Also called: COL4A3-Related Nephropathy; COL4A4 Alport Syndrome and Thin Basement Membrane Nephropathy; Alport syndrome type 2; ALPORT SYNDROME 2, AUTOSOMAL RECESSIVE. Identifiers: Orphanet 63, Orphanet 88919, MedGen C4746745, MONDO:0008762, OMIM 203780.

Submission:

Juno Genomics, Hangzhou Juno Genomics, Inc
Classification: Likely pathogenic for Autosomal recessive Alport syndrome. Review status: criteria provided, single submitter. Criteria: ACMG Guidelines, 2015. Collection method: clinical testing. Allele origin: germline. Affected: yes.
Comment: Null variant in a gene where loss of function (LOF) is a known mechanism of disease.;Absent from controls (or at extremely low frequency if recessive) in Genome Aggregation Database, Exome Sequencing Project, 1000 Genomes Project, or Exome Aggregation Consortium.